The following is an entry in ClinVar:

NM_198098.4(AQP1):c.88G>A (p.Gly30Ser)

Gene: AQP1 (aquaporin 1 (Colton blood group); plus strand). Cytogenetic location: 7p14.3.
Variant type: single nucleotide variant.
Coding change: c.88G>A on transcript NM_198098.4 (MANE Select); coding-DNA position 88, G replaced by A.
Protein change: p.Gly30Ser; replaces glycine 30 with serine.
Molecular consequence: missense variant.
Genome position (GRCh38, 1-based): chr7:30,911,997, G>A. VCF-style: chr7-30911997-G-A. GRCh37 (hg19) VCF-style: chr7-30951612-G-A.
Other names: c.88G>A, p.Gly30Ser (NM_001329872.2); short protein forms G30S.
Identifiers: ClinVar variation 4695597 (VCV004695597.1).

ClinVar aggregate classification (germline): Uncertain significance (1 of 4 stars; one submission).

Submission:

Labcorp Genetics (formerly Invitae), Labcorp
Classification: Uncertain significance. Last evaluated: 2025-09-10. Review status: criteria provided, single submitter. Criteria: Invitae Variant Classification Sherloc (09022015). Collection method: clinical testing. Allele origin: germline.
Comment: This sequence change replaces glycine, which is neutral and non-polar, with serine, which is neutral and polar, at codon 30 of the AQP1 protein (p.Gly30Ser). This variant is present in population databases (rs147526690, gnomAD 0.004%). This variant has not been reported in the literature in individuals affected with AQP1-related conditions. Invitae Evidence Modeling of protein sequence and biophysical properties (such as structural, functional, and spatial information, amino acid conservation, physicochemical variation, residue mobility, and thermodynamic stability) indicates that this missense variant is not expected to disrupt AQP1 protein function with a negative predictive value of 80%. In summary, the available evidence is currently insufficient to determine the role of this variant in disease. Therefore, it has been classified as a Variant of Uncertain Significance.